The following is an entry in ClinVar:

NM_001145809.2(MYH14):c.1360G>A (p.Ala454Thr)

Gene: MYH14 (myosin heavy chain 14; plus strand). Cytogenetic location: 19q13.33.
Variant type: single nucleotide variant.
Coding change: c.1360G>A on transcript NM_001145809.2 (MANE Select); coding-DNA position 1360, G replaced by A.
Protein change: p.Ala454Thr; replaces alanine 454 with threonine.
Molecular consequence: missense variant.
Genome position (GRCh38, 1-based): chr19:50,249,017, G>A. VCF-style: chr19-50249017-G-A. GRCh37 (hg19) VCF-style: chr19-50752274-G-A.
Other names: c.1360G>A, p.Ala454Thr (NM_001077186.2); c.1336G>A, p.Ala446Thr (NM_024729.4); short protein forms A446T, A454T.
Identifiers: ClinVar variation 4710561 (VCV004710561.1).

ClinVar aggregate classification (germline): Uncertain significance (1 of 4 stars; one submission).

gnomAD v4.1: 21 of 1,613,654 alleles (0.0013%); highest among the groups gnomAD compares: East Asian, 0.018%; no homozygotes.

Submission:

Labcorp Genetics (formerly Invitae), Labcorp
Classification: Uncertain significance. Last evaluated: 2025-12-16. Review status: criteria provided, single submitter. Criteria: Invitae Variant Classification Sherloc (09022015). Collection method: clinical testing. Allele origin: germline.
Comment: This sequence change replaces alanine, which is neutral and non-polar, with threonine, which is neutral and polar, at codon 446 of the MYH14 protein (p.Ala446Thr). This variant is present in population databases (rs535619001, gnomAD 0.005%). This missense change has been observed in individual(s) with deafness (PMID: 27610647). Invitae Evidence Modeling of protein sequence and biophysical properties (such as structural, functional, and spatial information, amino acid conservation, physicochemical variation, residue mobility, and thermodynamic stability) indicates that this missense variant is not expected to disrupt MYH14 protein function with a negative predictive value of 80%. In summary, the available evidence is currently insufficient to determine the role of this variant in disease. Therefore, it has been classified as a Variant of Uncertain Significance.

Literature cited by the submitters: PubMed 27610647.